The following is an entry in ClinVar:

NM_001281740.3(FHOD3):c.1814C>G (p.Pro605Arg)

Gene: FHOD3 (formin homology 2 domain containing 3; plus strand). Cytogenetic location: 18q12.2.
Variant type: single nucleotide variant.
Coding change: c.1814C>G on transcript NM_001281740.3 (MANE Select); coding-DNA position 1814, C replaced by G.
Protein change: p.Pro605Arg; replaces proline 605 with arginine.
Molecular consequence: missense variant.
Genome position (GRCh38, 1-based): chr18:36,658,167, C>G. VCF-style: chr18-36658167-C-G. GRCh37 (hg19) VCF-style: chr18-34238130-C-G.
Other names: c.1814C>G (NM_001281740.2); c.1289C>G, p.Pro430Arg (NM_001281739.3, NM_025135.5); short protein forms P430R, P605R.
Identifiers: ClinVar variation 3895035 (VCV003895035.3), dbSNP rs144334799.

ClinVar aggregate classification (germline): Likely benign. Review status: criteria provided, multiple submitters, no conflicts (2 of 4 stars). 3 submissions from 3 submitters: Likely benign (3). Last evaluated 2026-02-13.

Conditions:
FHOD3-related disorder. Also called: FHOD3-related condition.

gnomAD v4.1: 669 of 1,587,066 alleles (0.042%); highest among the groups gnomAD compares: Admixed American, 0.083%; 2 homozygotes.

Submissions (3):

PreventionGenetics, part of Exact Sciences
Classification: Likely benign for FHOD3-related condition. Last evaluated: 2026-02-13. Review status: criteria provided, single submitter. Criteria: ACMG Guidelines, 2015. Collection method: clinical testing. Allele origin: germline.
Comment: This variant is classified as likely benign based on ACMG/AMP sequence variant interpretation guidelines (Richards et al. 2015 PMID: 25741868, with internal and published modifications).

Molecular Diagnostic Laboratory for Inherited Cardiovascular Disease, Montreal Heart Institute
Classification: Likely benign. Last evaluated: 2025-04-09. Review status: criteria provided, single submitter. Criteria: ACMG Guidelines, 2015. Collection method: clinical testing. Allele origin: germline. Affected: no.

Blueprint Genetics
Classification: Likely benign. Last evaluated: 2024-07-30. Review status: criteria provided, single submitter. Criteria: ACMG Guidelines, 2015. Collection method: clinical testing. Allele origin: germline.